The following is an entry in ClinVar:

NM_001430.5(EPAS1):c.2594C>A (p.Ala865Asp)

Gene: EPAS1 (endothelial PAS domain protein 1; plus strand). Cytogenetic location: 2p21.
Variant type: single nucleotide variant.
Coding change: c.2594C>A on transcript NM_001430.5 (MANE Select); coding-DNA position 2594, C replaced by A.
Protein change: p.Ala865Asp; replaces alanine 865 with aspartic acid.
Molecular consequence: missense variant.
Genome position (GRCh38, 1-based): chr2:46,384,641, C>A. VCF-style: chr2-46384641-C-A. GRCh37 (hg19) VCF-style: chr2-46611780-C-A.
Other names: short protein forms A865D.
Identifiers: ClinVar variation 2565082 (VCV002565082.2), dbSNP rs2546483843, ClinGen allele CA346707196.

ClinVar aggregate classification (germline): Uncertain significance (1 of 4 stars; one submission).

Conditions:
Inborn genetic diseases. Identifiers: MedGen C0950123, MeSH D030342.

gnomAD v4.1: 1 of 1,613,886 alleles (0.000062%); highest among the groups gnomAD compares: South Asian, 0.0011%; no homozygotes.

Submission:

Ambry Genetics
Classification: Uncertain significance for Inborn genetic diseases. Last evaluated: 2023-06-10. Review status: criteria provided, single submitter. Criteria: Ambry Variant Classification Scheme 2023. Collection method: clinical testing. Allele origin: germline.
Comment: The p.A865D variant (also known as c.2594C>A), located in coding exon 16 of the EPAS1 gene, results from a C to A substitution at nucleotide position 2594. The alanine at codon 865 is replaced by aspartic acid, an amino acid with dissimilar properties. This amino acid position is conserved. In addition, this alteration is predicted to be deleterious by in silico analysis. Since supporting evidence is limited at this time, the clinical significance of this alteration remains unclear.